The following is an entry in ClinVar:

NM_020937.4(FANCM):c.196C>T (p.Arg66Trp)

Gene: FANCM (FA complementation group M; plus strand). Cytogenetic location: 14q21.2.
Variant type: single nucleotide variant.
Coding change: c.196C>T on transcript NM_020937.4 (MANE Select); coding-DNA position 196, C replaced by T.
Protein change: p.Arg66Trp; replaces arginine 66 with tryptophan.
Molecular consequence: missense variant.
Genome position (GRCh38, 1-based): chr14:45,136,227, C>T. VCF-style: chr14-45136227-C-T. GRCh37 (hg19) VCF-style: chr14-45605430-C-T.
Other names: c.196C>T, p.Arg66Trp (NM_001308133.2, NM_001308134.2); short protein forms R66W.
Identifiers: ClinVar variation 4841743 (VCV004841743.1).

ClinVar aggregate classification (germline): Uncertain significance (1 of 4 stars; one submission).

Conditions:
Inborn genetic diseases. Identifiers: MedGen C0950123, MeSH D030342.

Submission:

Ambry Genetics
Classification: Uncertain significance for Inborn genetic diseases. Last evaluated: 2025-12-23. Review status: criteria provided, single submitter. Criteria: Ambry Variant Classification Scheme 2023. Collection method: clinical testing. Allele origin: germline.
Comment: The p.R66W variant (also known as c.196C>T), located in coding exon 1 of the FANCM gene, results from a C to T substitution at nucleotide position 196. The arginine at codon 66 is replaced by tryptophan, an amino acid with dissimilar properties. This amino acid position is conserved. In addition, this alteration is predicted to be tolerated by in silico analysis. Based on the available evidence, the clinical significance of this variant remains unclear.